The following is an entry in ClinVar:

NM_001134407.3(GRIN2A):c.3905T>C (p.Leu1302Pro)

Gene: GRIN2A (glutamate ionotropic receptor NMDA type subunit 2A; minus strand). Cytogenetic location: 16p13.2.
Variant type: single nucleotide variant.
Coding change: c.3905T>C on transcript NM_001134407.3 (MANE Select); coding-DNA position 3905, T replaced by C.
Protein change: p.Leu1302Pro; replaces leucine 1302 with proline.
Molecular consequence: missense variant. On other transcripts: intron variant (1).
Genome position (GRCh38, 1-based): chr16:9,763,639, A>G on the plus strand (T>C on the coding strand, the complement: GRIN2A is on the minus strand). VCF-style: chr16-9763639-A-G. GRCh37 (hg19) VCF-style: chr16-9857496-A-G.
Other names: c.3905T>C, p.Leu1302Pro (NM_000833.5); c.3772+133T>C (NM_001134408.2); short protein forms L1302P.
Identifiers: ClinVar variation 4885905 (VCV004885905.2).

ClinVar aggregate classification (germline): Uncertain significance (1 of 4 stars; one submission).

Submission:

Dasa
Classification: Uncertain significance. Last evaluated: 2026-03-29. Review status: criteria provided, single submitter. Criteria: DASA Assertion Criteria. Collection method: clinical testing. Allele origin: germline.
Comment: NM_001134407.3(GRIN2A):c.3905T>C (p.Leu1302Pro) is a missense variant that results in the substitution of leucine with proline. This variant is rare in population databases. Computational prediction algorithms are consistent with a benign effect. The currently available literature and clinical evidence are not sufficient to establish a definitive association between this variant and the reported condition. Therefore, this variant is classified as a variant of uncertain significance.